The following is an entry in ClinVar:

NM_000789.4(ACE):c.5G>A (p.Gly2Glu)

Gene: ACE (angiotensin I converting enzyme; plus strand). Cytogenetic location: 17q23.3.
Variant type: single nucleotide variant.
Coding change: c.5G>A on transcript NM_000789.4 (MANE Select); coding-DNA position 5, G replaced by A.
Protein change: p.Gly2Glu; replaces glycine 2 with glutamic acid.
Molecular consequence: missense variant. On other transcripts: 5 prime UTR variant (2).
Genome position (GRCh38, 1-based): chr17:63,477,099, G>A. VCF-style: chr17-63477099-G-A. GRCh37 (hg19) VCF-style: chr17-61554460-G-A.
Other names: c.-231G>A (NM_001382700.1); c.-610G>A (NM_001382701.1); short protein forms G2E.
Identifiers: ClinVar variation 2171388 (VCV002171388.3), dbSNP rs558593002, ClinGen allele CA400538180.

ClinVar aggregate classification (germline): Uncertain significance. Review status: criteria provided, multiple submitters, no conflicts (2 of 4 stars). 2 submissions from 2 submitters: Uncertain significance (2). Last evaluated 2024-06-24.

Conditions:
Microvascular complications of diabetes, susceptibility to, 3. Identifiers: MedGen C2675470, MONDO:0012963, OMIM 612624.
Renal tubular dysgenesis of genetic origin. Also called: PRIMITIVE RENAL TUBULE SYNDROME. Identifiers: Orphanet 97369, MedGen C5681536, MONDO:0009970, OMIM 267430.
Hemorrhage, intracerebral, susceptibility to (ICH). Also called: Stroke, hemorrhagic, susceptibility to. Identifiers: MedGen C3281105, MONDO:0100533, OMIM 614519.

gnomAD v4.1: 8 of 1,309,738 alleles (0.00061%); highest among the groups gnomAD compares: Admixed American, 0.034%; no homozygotes.

Submissions (2):

Labcorp Genetics (formerly Invitae), Labcorp
Classification: Uncertain significance. Last evaluated: 2024-06-24. Review status: criteria provided, single submitter. Criteria: Invitae Variant Classification Sherloc (09022015). Collection method: clinical testing. Allele origin: germline.
Comment: This sequence change replaces glycine, which is neutral and non-polar, with glutamic acid, which is acidic and polar, at codon 2 of the ACE protein (p.Gly2Glu). This variant is present in population databases (no rsID available, gnomAD 0.1%). This variant has not been reported in the literature in individuals affected with ACE-related conditions. ClinVar contains an entry for this variant (Variation ID: 2171388). An algorithm developed to predict the effect of missense changes on protein structure and function (PolyPhen-2) suggests that this variant¬†is likely to be tolerated. In summary, the available evidence is currently insufficient to determine the role of this variant in disease. Therefore, it has been classified as a Variant of Uncertain Significance.

Fulgent Genetics
Classification: Uncertain significance for Renal tubular dysgenesis of genetic origin; Microvascular complications of diabetes, susceptibility to, 3; Hemorrhage, intracerebral, susceptibility to. Last evaluated: 2024-03-26. Review status: criteria provided, single submitter. Criteria: ACMG Guidelines, 2015. Collection method: clinical testing. Allele origin: germline.